The following is an entry in ClinVar:

ClinVar aggregate classification (germline): Uncertain significance (1 of 4 stars; one submission).

Allele frequency attached by ClinVar (database versions not stated): gnomAD exomes below 0.00001; gnomAD 0.00001; TOPMed 0.00001; ExAC 0.00005.
gnomAD v4.1: 6 of 1,613,498 alleles (0.00037%); highest among the groups gnomAD compares: East Asian, 0.013%; no homozygotes.

Submission:

Labcorp Genetics (formerly Invitae), Labcorp
Classification: Uncertain significance. Last evaluated: 2024-01-29. Review status: criteria provided, single submitter. Criteria: Invitae Variant Classification Sherloc (09022015). Collection method: clinical testing. Allele origin: germline.
Comment: This sequence change replaces glycine, which is neutral and non-polar, with arginine, which is basic and polar, at codon 2067 of the RTTN protein (p.Gly2067Arg). This variant is present in population databases (rs767219926, gnomAD 0.05%). This variant has not been reported in the literature in individuals affected with RTTN-related conditions. Advanced modeling of protein sequence and biophysical properties (such as structural, functional, and spatial information, amino acid conservation, physicochemical variation, residue mobility, and thermodynamic stability) performed at Invitae indicates that this missense variant is not expected to disrupt RTTN protein function with a negative predictive value of 80%. In summary, the available evidence is currently insufficient to determine the role of this variant in disease. Therefore, it has been classified as a Variant of Uncertain Significance.

NM_173630.4(RTTN):c.6199G>A (p.Gly2067Arg)

Gene: RTTN (rotatin; minus strand). Cytogenetic location: 18q22.2.
Variant type: single nucleotide variant.
Coding change: c.6199G>A on transcript NM_173630.4 (MANE Select); coding-DNA position 6199, G replaced by A.
Protein change: p.Gly2067Arg; replaces glycine 2067 with arginine.
Molecular consequence: missense variant.
Genome position (GRCh38, 1-based): chr18:70,017,629, C>T on the plus strand (G>A on the coding strand, the complement: RTTN is on the minus strand). VCF-style: chr18-70017629-C-T. GRCh37 (hg19) VCF-style: chr18-67684865-C-T.
Other names: c.3463G>A, p.Gly1155Arg (NM_001318520.2); short protein forms G2067R, G1155R.
Identifiers: ClinVar variation 2872050 (VCV002872050.3), dbSNP rs767219926, ClinGen allele CA8994722.